The following is an entry in ClinVar:

ClinVar aggregate classification (germline): Uncertain significance. Review status: criteria provided, multiple submitters, no conflicts (2 of 4 stars). 2 submissions from 2 submitters: Uncertain significance (2). Last evaluated 2025-04-03.

Conditions:
Inborn genetic diseases. Identifiers: MedGen C0950123, MeSH D030342.

Allele frequency attached by ClinVar (database versions not stated): gnomAD exomes below 0.00001; ExAC 0.00002.
gnomAD v4.1: 4 of 1,613,858 alleles (0.00025%); highest among the groups gnomAD compares: Non-Finnish European, 0.00034%; no homozygotes.

Submissions (2):

Ambry Genetics
Classification: Uncertain significance for Inborn genetic diseases. Last evaluated: 2025-04-03. Review status: criteria provided, single submitter. Criteria: Ambry Variant Classification Scheme 2023. Collection method: clinical testing. Allele origin: germline.
Comment: The p.V802A variant (also known as c.2405T>C), located in coding exon 1 of the SAMD9L gene, results from a T to C substitution at nucleotide position 2405. The valine at codon 802 is replaced by alanine, an amino acid with similar properties. This amino acid position is conserved. In addition, the in silico prediction for this alteration is inconclusive. Based on the available evidence, the clinical significance of this variant remains unclear.

Labcorp Genetics (formerly Invitae), Labcorp
Classification: Uncertain significance. Last evaluated: 2022-05-28. Review status: criteria provided, single submitter. Criteria: Invitae Variant Classification Sherloc (09022015). Collection method: clinical testing. Allele origin: germline.
Comment: Algorithms developed to predict the effect of missense changes on protein structure and function are either unavailable or do not agree on the potential impact of this missense change (SIFT: "Not Available"; PolyPhen-2: "Possibly Damaging"; Align-GVGD: "Not Available"). This sequence change replaces valine, which is neutral and non-polar, with alanine, which is neutral and non-polar, at codon 802 of the SAMD9L protein (p.Val802Ala). This variant is present in population databases (rs773338062, gnomAD 0.002%). This variant has not been reported in the literature in individuals affected with SAMD9L-related conditions. In summary, the available evidence is currently insufficient to determine the role of this variant in disease. Therefore, it has been classified as a Variant of Uncertain Significance.

NM_152703.5(SAMD9L):c.2405T>C (p.Val802Ala)

Gene: SAMD9L (sterile alpha motif domain containing 9 like; minus strand). Cytogenetic location: 7q21.2.
Variant type: single nucleotide variant.
Coding change: c.2405T>C on transcript NM_152703.5 (MANE Select); coding-DNA position 2405, T replaced by C.
Protein change: p.Val802Ala; replaces valine 802 with alanine.
Molecular consequence: missense variant.
Genome position (GRCh38, 1-based): chr7:93,133,567, A>G on the plus strand (T>C on the coding strand, the complement: SAMD9L is on the minus strand). VCF-style: chr7-93133567-A-G. GRCh37 (hg19) VCF-style: chr7-92762880-A-G.
Other names: c.2405T>C (NM_152703.2); c.2405T>C, p.Val802Ala (NM_001303496.3, NM_001303497.3, NM_001303498.3 and 5 more transcripts); short protein forms V802A.
Identifiers: ClinVar variation 1996206 (VCV001996206.5), dbSNP rs773338062, ClinGen allele CA4343594.